The following is an entry in ClinVar:

NM_033159.4(HYAL1):c.766G>A (p.Gly256Arg)

Gene: HYAL1 (hyaluronidase 1; minus strand). Cytogenetic location: 3p21.31.
Variant type: single nucleotide variant.
Coding change: c.766G>A on transcript NM_033159.4 (MANE Select); coding-DNA position 766, G replaced by A.
Protein change: p.Gly256Arg; replaces glycine 256 with arginine.
Molecular consequence: missense variant. On other transcripts: 5 prime UTR variant (1), non-coding transcript variant (1).
Genome position (GRCh38, 1-based): chr3:50,302,191, C>T on the plus strand (G>A on the coding strand, the complement: HYAL1 is on the minus strand). VCF-style: chr3-50302191-C-T. GRCh37 (hg19) VCF-style: chr3-50339622-C-T.
Other names: c.766G>A, p.Gly256Arg (NM_153281.2, NM_153282.3); c.220G>A, p.Gly74Arg (NM_153283.3); c.-12G>A (NM_153285.3); short protein forms G256R, G74R.
Identifiers: ClinVar variation 346086 (VCV000346086.27), dbSNP rs116482870, ClinGen allele CA2415875.

ClinVar aggregate classification (germline): Benign/Likely benign. Review status: criteria provided, multiple submitters, no conflicts (2 of 4 stars). 9 submissions from 9 submitters: Benign (4); Likely benign (2). 3 of the submissions do not count toward it. Last evaluated 2026-02-04.

Conditions:
Deficiency of hyaluronoglucosaminidase (MPS9). Also called: MPS IX; HYALURONIDASE DEFICIENCY; Mucopolysaccharidosis type 9. Identifiers: Orphanet 67041, MedGen C1291490, MONDO:0011093, OMIM 601492.
HYAL1-related disorder. Also called: HYAL1-related condition.

Allele frequency attached by ClinVar (database versions not stated): 1000 Genomes Project 30x 0.02733; 1000 Genomes Project 0.02756; TOPMed 0.03939; gnomAD 0.04448 and 0.04490; ESP Exome Variant Server 0.04775; ExAC 0.05120; gnomAD exomes 0.05157 and 0.06088.
gnomAD v4.1: 95,802 of 1,614,164 alleles (5.9%); highest among the groups gnomAD compares: South Asian, 7.7%; 3,313 homozygotes.

Submissions (9):

Labcorp Genetics (formerly Invitae), Labcorp
Classification: Benign for Deficiency of hyaluronoglucosaminidase. Last evaluated: 2026-02-04. Review status: criteria provided, single submitter. Criteria: Invitae Variant Classification Sherloc (09022015). Collection method: clinical testing. Allele origin: germline.

Women's Health and Genetics/Laboratory Corporation of America, LabCorp
Classification: Likely benign. Last evaluated: 2021-12-10. Review status: criteria provided, single submitter. Criteria: LabCorp Variant Classification Summary - May 2015. Collection method: clinical testing. Allele origin: germline.

Genome-Nilou Lab
Classification: Benign for Deficiency of hyaluronoglucosaminidase. Last evaluated: 2021-08-10. Review status: criteria provided, single submitter. Criteria: ACMG Guidelines, 2015. Collection method: clinical testing. Allele origin: germline. Affected: no.

GeneDx
Classification: Benign. Last evaluated: 2018-06-28. Review status: criteria provided, single submitter. Criteria: GeneDx Variant Classification Process June 2021. Collection method: clinical testing. Allele origin: germline. Affected: yes.

Illumina Laboratory Services, Illumina
Classification: Benign for Deficiency of hyaluronoglucosaminidase. Last evaluated: 2018-01-12. Review status: criteria provided, single submitter. Criteria: ICSL Variant Classification Criteria 13 December 2019. Collection method: clinical testing. Allele origin: germline.
Comment: This variant was observed in the ICSL laboratory as part of a predisposition screen in an ostensibly healthy population. It had not been previously curated by ICSL or reported in the Human Gene Mutation Database (HGMD: prior to June 1st, 2018), and was therefore a candidate for classification through an automated scoring system. Utilizing variant allele frequency, disease prevalence and penetrance estimates, and inheritance mode, an automated score was calculated to assess if this variant is too frequent to cause the disease. Based on the score and internal cut-off values, a variant classified as benign is not then subjected to further curation. The score for this variant resulted in a classification of benign for this disease.

Breakthrough Genomics
Classification: Likely benign. Review status: criteria provided, single submitter. Criteria: ACMG Guidelines, 2015. Collection method: not provided. Allele origin: germline. Inheritance: Autosomal recessive inheritance. Affected: yes.

Natera, Inc.
Classification: Benign for Mucopolysaccharidosis type IX. Last evaluated: 2019-11-22. Review status: no assertion criteria provided. Collection method: clinical testing. Allele origin: germline. Not counted in ClinVar's aggregate classification.

PreventionGenetics, part of Exact Sciences
Classification: Benign for HYAL1-related condition. Last evaluated: 2019-03-21. Review status: no assertion criteria provided. Collection method: clinical testing. Allele origin: germline. Not counted in ClinVar's aggregate classification.
Comment: This variant is classified as benign based on ACMG/AMP sequence variant interpretation guidelines (Richards et al. 2015 PMID: 25741868, with internal and published modifications).

Mayo Clinic Laboratories, Mayo Clinic
Classification: Benign. Last evaluated: 2017-04-19. Review status: no assertion criteria provided. Collection method: clinical testing. Allele origin: unknown. Not counted in ClinVar's aggregate classification.